The following is an entry in ClinVar:

ClinVar aggregate classification (germline): Likely benign. Review status: criteria provided, multiple submitters, no conflicts (2 of 4 stars). 3 submissions from 3 submitters: Likely benign (3). Last evaluated 2023-06-26.

Conditions:
Cardiovascular phenotype. Identifiers: MedGen CN230736.
Long QT syndrome (LQTS). Identifiers: MedGen C0023976, MeSH D008133, MONDO:0002442. Disease mechanism: loss of function. Inheritance: Various modes of inheritance.
Cardiac arrhythmia. Also called: Cardiac rhythm disease; Arrhythmia. Identifiers: MedGen C0003811, MONDO:0007263, HP:0011675.

Allele frequency attached by ClinVar (database versions not stated): gnomAD exomes below 0.00001.
gnomAD v4.1: 5 of 1,608,736 alleles (0.00031%); highest among the groups gnomAD compares: Non-Finnish European, 0.00042%; no homozygotes.

Submissions (3):

All of Us Research Program, National Institutes of Health
Classification: Likely benign for Long QT syndrome. Last evaluated: 2023-06-26. Review status: criteria provided, single submitter. Criteria: ACMG Guidelines, 2015. Collection method: clinical testing. Allele origin: germline. Inheritance: Autosomal dominant inheritance. Observed: 1 variant allele, 1 heterozygote.
Comment: This study involves interpretation of variants in research participants for the purpose of population health screening. Participant phenotype was not available at the time of variant classification. Additional details can be found in publication PMID: 35346344, PMCID: PMC8962531

Ambry Genetics
Classification: Likely benign for Cardiovascular phenotype. Last evaluated: 2020-12-23. Review status: criteria provided, single submitter. Criteria: Ambry Variant Classification Scheme 2023. Collection method: clinical testing. Allele origin: germline.

Color Diagnostics, LLC DBA Color Health
Classification: Likely benign for Arrhythmia. Last evaluated: 2020-01-09. Review status: criteria provided, single submitter. Criteria: ACMG Guidelines, 2015. Collection method: clinical testing. Allele origin: germline.

NM_000238.4(KCNH2):c.102T>C (p.Ala34=)

Gene: KCNH2 (potassium voltage-gated channel subfamily H member 2; minus strand). Cytogenetic location: 7q36.1.
Variant type: single nucleotide variant.
Coding change: c.102T>C on transcript NM_000238.4 (MANE Select); coding-DNA position 102, T replaced by C.
Protein change: p.Ala34=; no amino-acid change (alanine 34 retained).
Molecular consequence: synonymous variant. On other transcripts: 5 prime UTR variant (1), non-coding transcript variant (1).
Genome position (GRCh38, 1-based): chr7:150,974,916, A>G on the plus strand (T>C on the coding strand, the complement: KCNH2 is on the minus strand). VCF-style: chr7-150974916-A-G. GRCh37 (hg19) VCF-style: chr7-150672004-A-G.
Other names: c.-76T>C (NM_001406755.1); c.102T>C, p.Ala34= (NM_172056.3).
Identifiers: ClinVar variation 918594 (VCV000918594.8), dbSNP rs1309776386, ClinGen allele CA458872485.